The following is an entry in ClinVar:

NM_006252.4(PRKAA2):c.111A>G (p.Leu37=)

Gene: PRKAA2 (protein kinase AMP-activated catalytic subunit alpha 2; plus strand). Cytogenetic location: 1p32.2.
Variant type: single nucleotide variant.
Coding change: c.111A>G on transcript NM_006252.4 (MANE Select); coding-DNA position 111, A replaced by G.
Protein change: p.Leu37=; no amino-acid change (leucine 37 retained).
Molecular consequence: synonymous variant.
Genome position (GRCh38, 1-based): chr1:56,674,397, A>G. VCF-style: chr1-56674397-A-G. GRCh37 (hg19) VCF-style: chr1-57140070-A-G.
Identifiers: ClinVar variation 3056337 (VCV003056337.2), dbSNP rs55717918, ClinGen allele CA873687.

ClinVar aggregate classification (germline): Benign (0 of 4 stars; one submission).

Conditions:
PRKAA2-related disorder. Also called: PRKAA2-related condition.

Allele frequency attached by ClinVar (database versions not stated): 1000 Genomes Project 30x 0.01234; 1000 Genomes Project 0.01258; TOPMed 0.02361; gnomAD 0.02501; ExAC 0.02696; ESP Exome Variant Server 0.02742; gnomAD exomes 0.03456.
gnomAD v4.1: 52,385 of 1,559,532 alleles (3.4%); highest among the groups gnomAD compares: Middle Eastern, 4.9%; 1,066 homozygotes.

Submission:

PreventionGenetics, part of Exact Sciences
Classification: Benign for PRKAA2-related condition. Last evaluated: 2019-09-13. Review status: no assertion criteria provided. Collection method: clinical testing. Allele origin: germline.
Comment: This variant is classified as benign based on ACMG/AMP sequence variant interpretation guidelines (Richards et al. 2015 PMID: 25741868, with internal and published modifications).